The following is an entry in ClinVar:

NM_004100.5(EYA4):c.556C>G (p.Gln186Glu)

Gene: EYA4 (EYA transcriptional coactivator and phosphatase 4; plus strand). Cytogenetic location: 6q23.2.
Variant type: single nucleotide variant.
Coding change: c.556C>G on transcript NM_004100.5 (MANE Select); coding-DNA position 556, C replaced by G.
Protein change: p.Gln186Glu; replaces glutamine 186 with glutamic acid.
Molecular consequence: missense variant.
Genome position (GRCh38, 1-based): chr6:133,462,453, C>G. VCF-style: chr6-133462453-C-G. GRCh37 (hg19) VCF-style: chr6-133783591-C-G.
Other names: c.394C>G, p.Gln132Glu (NM_001301012.2, NM_001370459.1); c.556C>G, p.Gln186Glu (NM_001301013.2, NM_172105.4); c.487C>G, p.Gln163Glu (NM_001370458.1, NM_172103.4); short protein forms Q132E, Q186E, Q163E.
Identifiers: ClinVar variation 4738660 (VCV004738660.1).

ClinVar aggregate classification (germline): Uncertain significance (1 of 4 stars; one submission).

Conditions:
Dilated cardiomyopathy 1J (CMD1J). Also called: CARDIOMYOPATHY, DILATED, WITH SENSORINEURAL HEARING LOSS, AUTOSOMAL DOMINANT. Identifiers: Orphanet 217622, MedGen C1854368, MONDO:0011541, OMIM 605362.

Submission:

Labcorp Genetics (formerly Invitae), Labcorp
Classification: Uncertain significance for Dilated cardiomyopathy 1J. Last evaluated: 2025-06-09. Review status: criteria provided, single submitter. Criteria: Invitae Variant Classification Sherloc (09022015). Collection method: clinical testing. Allele origin: germline.
Comment: This sequence change replaces glutamine, which is neutral and polar, with glutamic acid, which is acidic and polar, at codon 186 of the EYA4 protein (p.Gln186Glu). This variant is not present in population databases (gnomAD no frequency). This variant has not been reported in the literature in individuals affected with EYA4-related conditions. Invitae Evidence Modeling of protein sequence and biophysical properties (such as structural, functional, and spatial information, amino acid conservation, physicochemical variation, residue mobility, and thermodynamic stability) indicates that this missense variant is not expected to disrupt EYA4 protein function with a negative predictive value of 80%. In summary, the available evidence is currently insufficient to determine the role of this variant in disease. Therefore, it has been classified as a Variant of Uncertain Significance.